The following is an entry in ClinVar:

ClinVar aggregate classification (germline): Likely pathogenic (1 of 4 stars; one submission).

Submission:

Labcorp Genetics (formerly Invitae), Labcorp
Classification: Likely pathogenic. Last evaluated: 2021-10-28. Review status: criteria provided, single submitter. Criteria: Invitae Variant Classification Sherloc (09022015). Collection method: clinical testing. Allele origin: germline.
Comment: In summary, the currently available evidence indicates that the variant is pathogenic, but additional data are needed to prove that conclusively. Therefore, this variant has been classified as Likely Pathogenic. This variant has not been reported in the literature in individuals affected with MYO7A-related conditions. This variant results in a copy number gain of the genomic region encompassing exon(s) 6-7 of the MYO7A gene. While the exact position of this variant cannot be determined from the data, sub-genic copy number gains are generally in tandem (PMID: 25640679). This variant is predicted to be out-of-frame, and may result in an absent or disrupted protein product. Loss-of-function variants in MYO7A are known to be pathogenic (PMID: 8900236, 25404053).

Literature cited by the submitters: PubMed 25640679; PubMed 8900236; PubMed 25404053.

NC_000011.9:g.(?_76867696)_(76868060_?)dup

Gene: MYO7A (myosin VIIA; plus strand). Cytogenetic location: 11q13.5.
Variant type: Duplication.
Identifiers: ClinVar variation 2422703 (VCV002422703.4).